The following is an entry in ClinVar:

NM_006514.4(SCN10A):c.5445C>T (p.Ser1815=)

Gene: SCN10A (sodium voltage-gated channel alpha subunit 10; minus strand). Cytogenetic location: 3p22.2.
Variant type: single nucleotide variant.
Coding change: c.5445C>T on transcript NM_006514.4 (MANE Select); coding-DNA position 5445, C replaced by T.
Protein change: p.Ser1815=; no amino-acid change (serine 1815 retained).
Molecular consequence: synonymous variant.
Genome position (GRCh38, 1-based): chr3:38,697,775, G>A on the plus strand (C>T on the coding strand, the complement: SCN10A is on the minus strand). VCF-style: chr3-38697775-G-A. GRCh37 (hg19) VCF-style: chr3-38739266-G-A.
Other names: c.5442C>T, p.Ser1814= (NM_001293306.2); c.5151C>T, p.Ser1717= (NM_001293307.2).
Identifiers: ClinVar variation 390115 (VCV000390115.11), dbSNP rs111535651, ClinGen allele CA2319671.

ClinVar aggregate classification (germline): Likely benign. Review status: criteria provided, multiple submitters, no conflicts (2 of 4 stars). 4 submissions from 4 submitters: Likely benign (4). Last evaluated 2024-04-28.

Conditions:
Brugada syndrome. Also called: Sudden Unexplained Death Syndrome; Sudden Unexplained Nocturnal Death Syndrome (SUNDS); Sudden unexplained nocturnal death syndrome; Sudden unexpected nocturnal death syndrome. Identifiers: Orphanet 130, MedGen C1142166, MONDO:0015263.
Cardiovascular phenotype. Identifiers: MedGen CN230736.

Allele frequency attached by ClinVar (database versions not stated): TOPMed 0.00006; ExAC 0.00001; gnomAD exomes 0.00004; gnomAD 0.00005.
gnomAD v4.1: 60 of 1,613,964 alleles (0.0037%); highest among the groups gnomAD compares: African/African-American, 0.013%; no homozygotes.

Submissions (4):

Women's Health and Genetics/Laboratory Corporation of America, LabCorp
Classification: Likely benign. Last evaluated: 2024-04-28. Review status: criteria provided, single submitter. Criteria: LabCorp Variant Classification Summary - May 2015. Collection method: clinical testing. Allele origin: germline.

Labcorp Genetics (formerly Invitae), Labcorp
Classification: Likely benign for Brugada syndrome. Last evaluated: 2024-01-13. Review status: criteria provided, single submitter. Criteria: Invitae Variant Classification Sherloc (09022015). Collection method: clinical testing. Allele origin: germline.

Ambry Genetics
Classification: Likely benign for Cardiovascular phenotype. Last evaluated: 2019-05-30. Review status: criteria provided, single submitter. Criteria: Ambry Variant Classification Scheme 2023. Collection method: clinical testing. Allele origin: germline.

GeneDx
Classification: Likely benign. Last evaluated: 2016-10-21. Review status: criteria provided, single submitter. Criteria: GeneDx Variant Classification (06012015). Collection method: clinical testing. Allele origin: germline. Affected: yes.
Comment: This variant is considered likely benign or benign based on one or more of the following criteria: it is a conservative change, it occurs at a poorly conserved position in the protein, it is predicted to be benign by multiple in silico algorithms, and/or has population frequency not consistent with disease.